The following is an entry in ClinVar:

ClinVar aggregate classification (germline): Conflicting classifications of pathogenicity. Review status: criteria provided, conflicting classifications (1 of 4 stars). 4 submissions from 4 submitters: Uncertain significance (1); Benign (1); Likely benign (1). 1 of the submissions does not count toward it. Last evaluated 2026-02-01.

Conditions:
KMT2D-related disorder. Also called: KMT2D-Related Disorders.
Kabuki syndrome. Also called: NIIKAWA-KUROKI SYNDROME; Kabuki make-up syndrome. Identifiers: Orphanet 2322, MedGen C0796004, MONDO:0016512.

Allele frequency attached by ClinVar (database versions not stated): gnomAD 0.00004; TOPMed 0.00006; gnomAD exomes 0.00012; ExAC 0.00017.
gnomAD v4.1: 105 of 1,612,990 alleles (0.0065%); highest among the groups gnomAD compares: Non-Finnish European, 0.0078%; 1 homozygote.

Submissions (4):

Labcorp Genetics (formerly Invitae), Labcorp
Classification: Benign for Kabuki syndrome. Last evaluated: 2026-02-01. Review status: criteria provided, single submitter. Criteria: Invitae Variant Classification Sherloc (09022015). Collection method: clinical testing. Allele origin: germline.

CeGaT Center for Human Genetics Tuebingen
Classification: Uncertain significance. Last evaluated: 2023-08-01. Review status: criteria provided, single submitter. Criteria: CeGaT Center For Human Genetics Tuebingen Variant Classification Criteria Version 2. Collection method: clinical testing. Allele origin: germline. Affected: yes. Observed: 2 variant alleles.
Comment: KMT2D: PP2

GeneDx
Classification: Likely benign. Last evaluated: 2020-01-06. Review status: criteria provided, single submitter. Criteria: GeneDx Variant Classification Process June 2021. Collection method: clinical testing. Allele origin: germline. Affected: yes.

PreventionGenetics, part of Exact Sciences
Classification: Likely benign for KMT2D-related condition. Last evaluated: 2024-03-28. Review status: no assertion criteria provided. Collection method: clinical testing. Allele origin: germline. Not counted in ClinVar's aggregate classification.
Comment: This variant is classified as likely benign based on ACMG/AMP sequence variant interpretation guidelines (Richards et al. 2015 PMID: 25741868, with internal and published modifications).

NM_003482.4(KMT2D):c.1463C>T (p.Pro488Leu)

Gene: KMT2D (lysine methyltransferase 2D; minus strand). Cytogenetic location: 12q13.12.
Variant type: single nucleotide variant.
Coding change: c.1463C>T on transcript NM_003482.4 (MANE Select); coding-DNA position 1463, C replaced by T.
Protein change: p.Pro488Leu; replaces proline 488 with leucine.
Molecular consequence: missense variant.
Genome position (GRCh38, 1-based): chr12:49,052,220, G>A on the plus strand (C>T on the coding strand, the complement: KMT2D is on the minus strand). VCF-style: chr12-49052220-G-A. GRCh37 (hg19) VCF-style: chr12-49446003-G-A.
Other names: short protein forms P488L.
Identifiers: ClinVar variation 1199092 (VCV001199092.38), dbSNP rs763729848, ClinGen allele CA6548478.